The following is an entry in ClinVar:

ClinVar aggregate classification (germline): Uncertain significance (1 of 4 stars; one submission).

Conditions:
Early-infantile DEE. Also called: Early infantile epileptic encephalopathy with suppression bursts; Early infantile epileptic encephalopathy; Ohtahara syndrome. Identifiers: Orphanet 1934, MedGen C0393706, MONDO:0800491.

Allele frequency attached by ClinVar (database versions not stated): gnomAD 0.00001; TOPMed 0.00001.
gnomAD v4.1: 20 of 1,610,398 alleles (0.0012%); highest among the groups gnomAD compares: Non-Finnish European, 0.0016%; no homozygotes.

Submission:

Labcorp Genetics (formerly Invitae), Labcorp
Classification: Uncertain significance for Early-infantile DEE. Last evaluated: 2024-01-10. Review status: criteria provided, single submitter. Criteria: Invitae Variant Classification Sherloc (09022015). Collection method: clinical testing. Allele origin: germline.
Comment: This sequence change replaces serine, which is neutral and polar, with threonine, which is neutral and polar, at codon 721 of the HCN1 protein (p.Ser721Thr). This variant is present in population databases (no rsID available, gnomAD 0.0009%). This variant has not been reported in the literature in individuals affected with HCN1-related conditions. Advanced modeling of protein sequence and biophysical properties (such as structural, functional, and spatial information, amino acid conservation, physicochemical variation, residue mobility, and thermodynamic stability) performed at Invitae indicates that this missense variant is not expected to disrupt HCN1 protein function with a negative predictive value of 80%. In summary, the available evidence is currently insufficient to determine the role of this variant in disease. Therefore, it has been classified as a Variant of Uncertain Significance.

NM_021072.4(HCN1):c.2161T>A (p.Ser721Thr)

Gene: HCN1 (hyperpolarization activated cyclic nucleotide gated potassium channel 1; minus strand). Cytogenetic location: 5p12.
Variant type: single nucleotide variant.
Coding change: c.2161T>A on transcript NM_021072.4 (MANE Select); coding-DNA position 2161, T replaced by A.
Protein change: p.Ser721Thr; replaces serine 721 with threonine.
Molecular consequence: missense variant.
Genome position (GRCh38, 1-based): chr5:45,262,433, A>T on the plus strand (T>A on the coding strand, the complement: HCN1 is on the minus strand). VCF-style: chr5-45262433-A-T. GRCh37 (hg19) VCF-style: chr5-45262535-A-T.
Other names: short protein forms S721T.
Identifiers: ClinVar variation 2740137 (VCV002740137.3), dbSNP rs905412259, ClinGen allele CA118278373.